The following is an entry in ClinVar:

NM_000075.4(CDK4):c.583G>A (p.Val195Met)

Gene: CDK4 (cyclin dependent kinase 4; minus strand). Cytogenetic location: 12q14.1.
Variant type: single nucleotide variant.
Coding change: c.583G>A on transcript NM_000075.4 (MANE Select); coding-DNA position 583, G replaced by A.
Protein change: p.Val195Met; replaces valine 195 with methionine.
Molecular consequence: missense variant.
Genome position (GRCh38, 1-based): chr12:57,750,705, C>T on the plus strand (G>A on the coding strand, the complement: CDK4 is on the minus strand). VCF-style: chr12-57750705-C-T. GRCh37 (hg19) VCF-style: chr12-58144488-C-T.
Other names: short protein forms V195M.
Identifiers: ClinVar variation 943646 (VCV000943646.12), dbSNP rs1955226317, ClinGen allele CA385545781.

ClinVar aggregate classification (germline): Uncertain significance. Review status: criteria provided, multiple submitters, no conflicts (2 of 4 stars). 2 submissions from 2 submitters: Uncertain significance (2). Last evaluated 2024-02-13.

Conditions:
Familial melanoma. Also called: Hereditary melanoma; Hereditary cutaneous melanoma. Identifiers: Orphanet 618, MedGen C1512419, MONDO:0018961.
Hereditary cancer-predisposing syndrome. Also called: Neoplastic Syndromes, Hereditary; Hereditary Cancer Syndrome; Tumor predisposition; Hereditary neoplastic syndrome. Identifiers: Orphanet 140162, MedGen C0027672, MeSH D009386, MONDO:0015356.

Allele frequency attached by ClinVar (database versions not stated): TOPMed below 0.00001.

Submissions (2):

Labcorp Genetics (formerly Invitae), Labcorp
Classification: Uncertain significance for Familial melanoma. Last evaluated: 2024-02-13. Review status: criteria provided, single submitter. Criteria: Invitae Variant Classification Sherloc (09022015). Collection method: clinical testing. Allele origin: germline.
Comment: This sequence change replaces valine, which is neutral and non-polar, with methionine, which is neutral and non-polar, at codon 195 of the CDK4 protein (p.Val195Met). This variant is not present in population databases (gnomAD no frequency). This variant has not been reported in the literature in individuals affected with CDK4-related conditions. ClinVar contains an entry for this variant (Variation ID: 943646). Advanced modeling of protein sequence and biophysical properties (such as structural, functional, and spatial information, amino acid conservation, physicochemical variation, residue mobility, and thermodynamic stability) performed at Invitae indicates that this missense variant is expected to disrupt CDK4 protein function with a positive predictive value of 95%. In summary, the available evidence is currently insufficient to determine the role of this variant in disease. Therefore, it has been classified as a Variant of Uncertain Significance.

Ambry Genetics
Classification: Uncertain significance for Hereditary cancer-predisposing syndrome. Last evaluated: 2022-08-30. Review status: criteria provided, single submitter. Criteria: Ambry Variant Classification Scheme 2023. Collection method: clinical testing. Allele origin: germline.
Comment: The p.V195M variant (also known as c.583G>A), located in coding exon 4 of the CDK4 gene, results from a G to A substitution at nucleotide position 583. The valine at codon 195 is replaced by methionine, an amino acid with highly similar properties. This amino acid position is highly conserved in available vertebrate species. In addition, this alteration is predicted to be deleterious by in silico analysis. Since supporting evidence is limited at this time, the clinical significance of this alteration remains unclear.